The following is an entry in ClinVar:

ClinVar aggregate classification (germline): Likely benign (0 of 4 stars; one submission).

Conditions:
KMT2D-related disorder. Also called: KMT2D-Related Disorders.

gnomAD v4.1: 2 of 1,594,032 alleles (0.00013%); highest among the groups gnomAD compares: Non-Finnish European, 0.00017%; no homozygotes.

Submission:

PreventionGenetics, part of Exact Sciences
Classification: Likely benign for KMT2D-related condition. Last evaluated: 2022-03-24. Review status: no assertion criteria provided. Collection method: clinical testing. Allele origin: germline.
Comment: This variant is classified as likely benign based on ACMG/AMP sequence variant interpretation guidelines (Richards et al. 2015 PMID: 25741868, with internal and published modifications).

NM_003482.4(KMT2D):c.12900A>G (p.Pro4300=)

Gene: KMT2D (lysine methyltransferase 2D; minus strand). Cytogenetic location: 12q13.12.
Variant type: single nucleotide variant.
Coding change: c.12900A>G on transcript NM_003482.4 (MANE Select); coding-DNA position 12900, A replaced by G.
Protein change: p.Pro4300=; no amino-acid change (proline 4300 retained).
Molecular consequence: synonymous variant.
Genome position (GRCh38, 1-based): chr12:49,031,805, T>C on the plus strand (A>G on the coding strand, the complement: KMT2D is on the minus strand). VCF-style: chr12-49031805-T-C. GRCh37 (hg19) VCF-style: chr12-49425588-T-C.
Identifiers: ClinVar variation 3047568 (VCV003047568.2), dbSNP rs2120424941, ClinGen allele CA479707957.